The following is an entry in ClinVar:

ClinVar aggregate classification (germline): Benign/Likely benign. Review status: criteria provided, multiple submitters, no conflicts (2 of 4 stars). 4 submissions from 4 submitters: Benign (3); Likely benign (1). Last evaluated 2026-01-20.

Conditions:
Desmosterolosis. Identifiers: Orphanet 35107, MedGen C1865596, MONDO:0011217, OMIM 602398.

Allele frequency attached by ClinVar (database versions not stated): gnomAD exomes 0.00074 and 0.00181; ExAC 0.00214; 1000 Genomes Project 30x 0.00547; gnomAD 0.00570; 1000 Genomes Project 0.00579; TOPMed 0.00710; ESP Exome Variant Server 0.00738.
gnomAD v4.1: 2,021 of 1,614,198 alleles (0.13%); highest among the groups gnomAD compares: African/African-American, 2.1%; 11 homozygotes.

Submissions (4):

Labcorp Genetics (formerly Invitae), Labcorp
Classification: Benign. Last evaluated: 2026-01-20. Review status: criteria provided, single submitter. Criteria: Invitae Variant Classification Sherloc (09022015). Collection method: clinical testing. Allele origin: germline.

Blueprint Genetics
Classification: Likely benign. Last evaluated: 2024-11-22. Review status: criteria provided, single submitter. Criteria: ACMG Guidelines, 2015. Collection method: clinical testing. Allele origin: germline.

Genetic Services Laboratory, University of Chicago
Classification: Benign. Last evaluated: 2017-08-21. Review status: criteria provided, single submitter. Criteria: ACMG Guidelines, 2015. Collection method: clinical testing. Allele origin: germline. Affected: no.

Illumina Laboratory Services, Illumina
Classification: Benign for Desmosterolosis. Last evaluated: 2017-04-28. Review status: criteria provided, single submitter. Criteria: ICSL Variant Classification Criteria 13 December 2019. Collection method: clinical testing. Allele origin: germline.
Comment: This variant was observed as part of a predisposition screen in an ostensibly healthy population. A literature search was performed for the gene, cDNA change, and amino acid change (where applicable). No publications were found based on this search. Allele frequency data from public databases was too high to be consistent with this variant causing disease. Therefore, this variant is classified as benign.

NM_014762.4(DHCR24):c.1522G>A (p.Asp508Asn)

Gene: DHCR24 (24-dehydrocholesterol reductase; minus strand). Cytogenetic location: 1p32.3.
Variant type: single nucleotide variant.
Coding change: c.1522G>A on transcript NM_014762.4 (MANE Select); coding-DNA position 1522, G replaced by A.
Protein change: p.Asp508Asn; replaces aspartic acid 508 with asparagine.
Molecular consequence: missense variant.
Genome position (GRCh38, 1-based): chr1:54,852,262, C>T on the plus strand (G>A on the coding strand, the complement: DHCR24 is on the minus strand). VCF-style: chr1-54852262-C-T. GRCh37 (hg19) VCF-style: chr1-55317935-C-T.
Other names: short protein forms D508N.
Identifiers: ClinVar variation 719707 (VCV000719707.17), dbSNP rs11555496, ClinGen allele CA870530.